The following is an entry in ClinVar:

NM_005886.3(KATNB1):c.1733G>A (p.Gly578Asp)

Gene: KATNB1 (katanin regulatory subunit B1; plus strand). Cytogenetic location: 16q21.
Variant type: single nucleotide variant.
Coding change: c.1733G>A on transcript NM_005886.3 (MANE Select); coding-DNA position 1733, G replaced by A.
Protein change: p.Gly578Asp; replaces glycine 578 with aspartic acid.
Molecular consequence: missense variant.
Genome position (GRCh38, 1-based): chr16:57,756,370, G>A. VCF-style: chr16-57756370-G-A. GRCh37 (hg19) VCF-style: chr16-57790282-G-A.
Other names: short protein forms G578D.
Identifiers: ClinVar variation 4888074 (VCV004888074.1).

ClinVar aggregate classification (germline): Likely pathogenic (1 of 4 stars; one submission).

gnomAD v4.1: 1 of 1,613,974 alleles (0.000062%); highest among the groups gnomAD compares: Non-Finnish European, 0.000085%; no homozygotes.

Submission:

GeneDx
Classification: Likely pathogenic. Last evaluated: 2026-03-04. Review status: criteria provided, single submitter. Criteria: GeneDx Variant Classification Process June 2021. Collection method: clinical testing. Allele origin: germline.
Comment: Not observed at significant frequency in large population cohorts (gnomAD); In silico analysis supports that this missense variant has a deleterious effect on protein structure/function; This variant is associated with the following publications: (PMID: 25521378)